The following is an entry in ClinVar:

NM_000492.4(CFTR):c.156del (p.Lys52fs)

Gene: CFTR (CF transmembrane conductance regulator; plus strand). Cytogenetic location: 7q31.2.
Variant type: Deletion.
Coding change: c.156del on transcript NM_000492.4 (MANE Select); coding-DNA position 156, one base deleted (A; older notation c.156delA).
Protein change: p.Lys52fs; shifts the reading frame from lysine 52.
Molecular consequence: frameshift variant.
Genome position (GRCh38, 1-based): chr7:117,504,355, A deleted; the last of 5 consecutive A bases (chr7:117,504,351-117,504,355); deleting any one gives the same sequence. VCF-style (leftmost placement, unchanged base first): chr7-117504350-GA-G. GRCh37 (hg19) VCF-style: chr7-117144404-GA-G.
Other names: 284delA; c.156delA (NM_000492.3); short protein forms K52fs.
Identifiers: ClinVar variation 1459556 (VCV001459556.8), dbSNP rs1346705436, ClinGen allele CA2573141475.
Genomic context (GRCh38, chr7:117,504,350, plus strand): 5'-CGCCTGGAATTGTCAGACATATACCAAATCCCTTCTGTTGATTCTGCTGACAATCTATCT[GA>G]AAAATTGGAAAGGTATGTTCATGTACATTGTTTAGTTGAAGAGAGAAATTCATATTATTA-3'

ClinVar aggregate classification (germline): Pathogenic. Review status: criteria provided, multiple submitters, no conflicts (2 of 4 stars). 3 submissions from 3 submitters: Pathogenic (3). Last evaluated 2025-08-05.

Conditions:
Cystic fibrosis (CF). Also called: MUCOVISCIDOSIS. Identifiers: Orphanet 586, MedGen C0010674, MONDO:0009061, OMIM 219700. Disease mechanism: loss of function.
CFTR-related disorder (CFTR-RD). Also called: CFTR-related condition; CFTR-related disorders. Identifiers: MedGen C5924204, MONDO:7770004.

Submissions (3):

Natera, Inc.
Classification: Pathogenic for CFTR-related disorders. Last evaluated: 2025-08-05. Review status: criteria provided, single submitter. Criteria: Natera Variant Classification Schema (03/2026). Collection method: clinical testing. Allele origin: germline.
Comment: The c.156delA variant in CFTR is a frameshift variant predicted to shift the reading frame beginning at codon 52 and leads to a stop codon 39 codons downstream. This variant is expected to result in nonsense mediated decay, truncation, or a dysfunctional protein product. This variant is rare in the general population with a frequency below the threshold expected for the associated phenotype(s). This variant has been observed in one or more individuals affected with the associated recessive disease, as either homozygous or compound heterozygous with a second variant (PMID: 25162364). Given the available evidence, this variant is classified as Pathogenic.

Institute of Human Genetics, University of Leipzig Medical Center
Classification: Pathogenic for Cystic fibrosis. Last evaluated: 2022-09-05. Review status: criteria provided, single submitter. Criteria: ACMG Guidelines, 2015. Collection method: curation. Allele origin: unknown. Affected: yes. Observed: 1 variant allele.
Comment: The variant was classified in the context of a project re-classifying variants in the German Cystic Fibrosis Registry (Muko.e.V.). Criteria applied: PVS1, PM2_SUP, PM3_SUP, PP4

Labcorp Genetics (formerly Invitae), Labcorp
Classification: Pathogenic for Cystic fibrosis. Last evaluated: 2021-04-30. Review status: criteria provided, single submitter. Criteria: Invitae Variant Classification Sherloc (09022015). Collection method: clinical testing. Allele origin: germline.
Comment: For these reasons, this variant has been classified as Pathogenic. This variant has not been reported in the literature in individuals with CFTR-related conditions. This variant is not present in population databases (ExAC no frequency). This sequence change creates a premature translational stop signal (p.Lys52Asnfs*39) in the CFTR gene. It is expected to result in an absent or disrupted protein product. Loss-of-function variants in CFTR are known to be pathogenic (PMID: 1695717, 7691345, 9725922).

Literature cited by the submitters: PubMed 25162364 (cited by Natera, Inc.); PubMed 1695717 (cited by Labcorp Genetics (formerly Invitae), Labcorp); PubMed 7691345 (cited by Labcorp Genetics (formerly Invitae), Labcorp); PubMed 9725922 (cited by Labcorp Genetics (formerly Invitae), Labcorp).